The following is an entry in ClinVar:

ClinVar aggregate classification (germline): Uncertain significance (1 of 4 stars; one submission).

Conditions:
Gastrointestinal stromal tumor. Also called: Gastrointestinal stromal tumor, somatic; Gastrointestinal stroma tumor. Identifiers: Orphanet 44890, MedGen C0238198, MeSH D046152, MONDO:0011719, OMIM 606764, HP:0100723.

Submission:

Labcorp Genetics (formerly Invitae), Labcorp
Classification: Uncertain significance for Gastrointestinal stromal tumor. Last evaluated: 2019-04-10. Review status: criteria provided, single submitter. Criteria: Invitae Variant Classification Sherloc (09022015). Collection method: clinical testing. Allele origin: germline.
Comment: This variant has not been reported in the literature in individuals with PDGFRA-related conditions. In summary, the available evidence is currently insufficient to determine the role of this variant in disease. Therefore, it has been classified as a Variant of Uncertain Significance. Algorithms developed to predict the effect of missense changes on protein structure and function (SIFT, PolyPhen-2, Align-GVGD) all suggest that this variant is likely to be tolerated, but these predictions have not been confirmed by published functional studies and their clinical significance is uncertain. This sequence change replaces lysine with threonine at codon 771 of the PDGFRA protein (p.Lys771Thr). The lysine residue is moderately conserved and there is a moderate physicochemical difference between lysine and threonine. This variant is not present in population databases (ExAC no frequency).

NM_006206.6(PDGFRA):c.2312A>C (p.Lys771Thr)

Gene: PDGFRA (platelet derived growth factor receptor alpha; plus strand). Cytogenetic location: 4q12.
Variant type: single nucleotide variant.
Coding change: c.2312A>C on transcript NM_006206.6 (MANE Select); coding-DNA position 2312, A replaced by C.
Protein change: p.Lys771Thr; replaces lysine 771 with threonine.
Molecular consequence: missense variant.
Genome position (GRCh38, 1-based): chr4:54,280,471, A>C. VCF-style: chr4-54280471-A-C. GRCh37 (hg19) VCF-style: chr4-55146638-A-C.
Other names: c.2312A>C, p.Lys771Thr (NM_001347827.2, NM_001347829.2); c.2387A>C, p.Lys796Thr (NM_001347828.2); c.2351A>C, p.Lys784Thr (NM_001347830.2); short protein forms K796T, K771T, K784T.
Identifiers: ClinVar variation 851612 (VCV000851612.10), dbSNP rs1724016377, ClinGen allele CA356894534.